The following is an entry in ClinVar:

ClinVar aggregate classification (germline): Likely pathogenic (1 of 4 stars; one submission).

Conditions:
Autosomal recessive limb-girdle muscular dystrophy. Identifiers: Orphanet 102015, MedGen C2931907, MONDO:0015152.

Submission:

Myriad Genetics, Inc.
Classification: Likely pathogenic for Autosomal recessive limb-girdle muscular dystrophy. Last evaluated: 2022-02-10. Review status: criteria provided, single submitter. Criteria: Myriad Autosomal Dominant, Autosomal Recessive and X-Linked Classification Criteria (2023). Collection method: clinical testing. Allele origin: unknown.
Comment: NM_003494.3(DYSF):c.313delC(L105Cfs*46) is expected to be pathogenic in the context of dysferlinopathy. This variant is predicted to lead to an abnormal or absent protein product due to the creation of a premature termination codon in DYSF, a gene where loss-of-function variants are known to be pathogenic. Please note: this variant was assessed in the context of healthy population screening.

NM_001130987.2(DYSF):c.316del (p.Leu106fs)

Gene: DYSF (dysferlin; plus strand). Cytogenetic location: 2p13.2.
Variant type: Deletion.
Coding change: c.316del on transcript NM_001130987.2 (MANE Select); coding-DNA position 316, one base deleted (C; older notation c.316delC).
Protein change: p.Leu106fs; shifts the reading frame from leucine 106.
Molecular consequence: frameshift variant.
Genome position (GRCh38, 1-based): chr2:71,503,290, C deleted; the last of 6 consecutive C bases (chr2:71,503,285-71,503,290); deleting any one gives the same sequence. VCF-style (leftmost placement, unchanged base first): chr2-71503284-GC-G. GRCh37 (hg19) VCF-style: chr2-71730414-GC-G.
Other names: c.313del, p.Leu105fs (NM_001130981.2, NM_003494.4, NM_001130976.2 and 4 more transcripts); c.316del, p.Leu106fs (NM_001130982.2, NM_001130983.2, NM_001130984.2 and 3 more transcripts); short protein forms L105fs, L106fs.
Identifiers: ClinVar variation 1724360 (VCV001724360.3), dbSNP rs2545295422, ClinGen allele CA645533476.